The following is an entry in ClinVar:

ClinVar aggregate classification (germline): Conflicting classifications of pathogenicity. Review status: criteria provided, conflicting classifications (1 of 4 stars). 4 submissions from 4 submitters: Uncertain significance (3); Likely benign (1). Last evaluated 2025-08-15.

Conditions:
Hyperammonemic encephalopathy due to carbonic anhydrase VA deficiency. Also called: Carbonic Anhydrase VA Deficiency; Carbonic anhydrase VA deficiency, hyperammonemia due to. Identifiers: Orphanet 401948, MedGen C4706871, MONDO:0014332, OMIM 615751.
Inborn genetic diseases. Identifiers: MedGen C0950123, MeSH D030342.

Allele frequency attached by ClinVar (database versions not stated): gnomAD 0.00003; gnomAD exomes 0.00003 and 0.00005; ExAC 0.00005; TOPMed 0.00005.
gnomAD v4.1: 84 of 1,614,118 alleles (0.0052%); highest among the groups gnomAD compares: African/African-American, 0.008%; 3 homozygotes.

Submissions (4):

Ambry Genetics
Classification: Uncertain significance for Inborn genetic diseases. Last evaluated: 2025-08-15. Review status: criteria provided, single submitter. Criteria: Ambry Variant Classification Scheme 2023. Collection method: clinical testing. Allele origin: germline.

Labcorp Genetics (formerly Invitae), Labcorp
Classification: Uncertain significance for Hyperammonemic encephalopathy due to carbonic anhydrase VA deficiency. Last evaluated: 2025-03-31. Review status: criteria provided, single submitter. Criteria: Invitae Variant Classification Sherloc (09022015). Collection method: clinical testing. Allele origin: germline.
Comment: This sequence change replaces tryptophan, which is neutral and slightly polar, with serine, which is neutral and polar, at codon 96 of the CA5A protein (p.Trp96Ser). This variant is present in population databases (rs766339583, gnomAD 0.008%). This variant has not been reported in the literature in individuals affected with CA5A-related conditions. ClinVar contains an entry for this variant (Variation ID: 1203736). Invitae Evidence Modeling of protein sequence and biophysical properties (such as structural, functional, and spatial information, amino acid conservation, physicochemical variation, residue mobility, and thermodynamic stability) indicates that this missense variant is not expected to disrupt CA5A protein function with a negative predictive value of 80%. In summary, the available evidence is currently insufficient to determine the role of this variant in disease. Therefore, it has been classified as a Variant of Uncertain Significance.

GeneDx
Classification: Uncertain significance. Last evaluated: 2025-01-15. Review status: criteria provided, single submitter. Criteria: GeneDx Variant Classification Process June 2021. Collection method: clinical testing. Allele origin: germline. Affected: yes.
Comment: Not observed at a significant frequency in large population cohorts (gnomAD); In silico analysis supports that this missense variant has a deleterious effect on protein structure/function; Has not been previously published as pathogenic or benign to our knowledge

Blueprint Genetics
Classification: Likely benign. Last evaluated: 2024-11-13. Review status: criteria provided, single submitter. Criteria: ACMG Guidelines, 2015. Collection method: clinical testing. Allele origin: germline.

NM_001739.2(CA5A):c.287G>C (p.Trp96Ser)

Gene: CA5A (carbonic anhydrase 5A; minus strand). Cytogenetic location: 16q24.2.
Variant type: single nucleotide variant.
Coding change: c.287G>C on transcript NM_001739.2 (MANE Select); coding-DNA position 287, G replaced by C.
Protein change: p.Trp96Ser; replaces tryptophan 96 with serine.
Molecular consequence: missense variant. On other transcripts: non-coding transcript variant (2).
Genome position (GRCh38, 1-based): chr16:87,926,801, C>G on the plus strand (G>C on the coding strand, the complement: CA5A is on the minus strand). VCF-style: chr16-87926801-C-G. GRCh37 (hg19) VCF-style: chr16-87960407-C-G.
Other names: c.287G>C, p.Trp96Ser (NM_001367225.1); short protein forms W96S.
Identifiers: ClinVar variation 1203736 (VCV001203736.12), dbSNP rs766339583, ClinGen allele CA8223559.